The following is an entry in ClinVar:

ClinVar aggregate classification (germline): Uncertain significance (1 of 4 stars; one submission).

Submission:

Labcorp Genetics (formerly Invitae), Labcorp
Classification: Uncertain significance. Last evaluated: 2022-09-05. Review status: criteria provided, single submitter. Criteria: Invitae Variant Classification Sherloc (09022015). Collection method: clinical testing. Allele origin: germline.
Comment: In summary, the available evidence is currently insufficient to determine the role of this variant in disease. Therefore, it has been classified as a Variant of Uncertain Significance. Algorithms developed to predict the effect of missense changes on protein structure and function output the following: SIFT: "Tolerated"; PolyPhen-2: "Benign"; Align-GVGD: "Class C0". The alanine amino acid residue is found in multiple mammalian species, which suggests that this missense change does not adversely affect protein function. This variant has not been reported in the literature in individuals affected with SIAE-related conditions. This variant is not present in population databases (gnomAD no frequency). This sequence change replaces valine, which is neutral and non-polar, with alanine, which is neutral and non-polar, at codon 7 of the SIAE protein (p.Val7Ala).

NM_170601.5(SIAE):c.20T>C (p.Val7Ala)

Gene: SIAE (sialic acid acetylesterase; minus strand). Cytogenetic location: 11q24.2.
Variant type: single nucleotide variant.
Coding change: c.20T>C on transcript NM_170601.5 (MANE Select); coding-DNA position 20, T replaced by C.
Protein change: p.Val7Ala; replaces valine 7 with alanine.
Molecular consequence: missense variant. On other transcripts: intron variant (1).
Genome position (GRCh38, 1-based): chr11:124,673,689, A>G on the plus strand (T>C on the coding strand, the complement: SIAE is on the minus strand). VCF-style: chr11-124673689-A-G. GRCh37 (hg19) VCF-style: chr11-124543585-A-G.
Other names: c.-39+1569T>C (NM_001199922.2); short protein forms V7A.
Identifiers: ClinVar variation 1920073 (VCV001920073.5), dbSNP rs985438978, ClinGen allele CA230369194.